The following is an entry in ClinVar:

ClinVar aggregate classification (germline): Likely benign. Review status: criteria provided, multiple submitters, no conflicts (2 of 4 stars). 2 submissions from 2 submitters: Likely benign (2). Last evaluated 2025-09-04.

Allele frequency attached by ClinVar (database versions not stated): gnomAD exomes 0.00007; gnomAD 0.00010.
gnomAD v4.1: 67 of 951,848 alleles (0.007%); highest among the groups gnomAD compares: South Asian, 0.02%; 1 homozygote.

Submissions (2):

Mayo Clinic Laboratories, Mayo Clinic
Classification: Likely benign. Last evaluated: 2025-09-04. Review status: criteria provided, single submitter. Criteria: ACMG Guidelines, 2015. Collection method: clinical testing. Allele origin: germline. Observed: 1 variant allele.
Comment: BP4, BP7

CeGaT Center for Human Genetics Tuebingen
Classification: Likely benign. Last evaluated: 2022-07-01. Review status: criteria provided, single submitter. Criteria: CeGaT Center For Human Genetics Tuebingen Variant Classification Criteria Version 2. Collection method: clinical testing. Allele origin: germline. Affected: yes. Observed: 1 variant allele.
Comment: IRF2BPL: BP4, BP7

NM_024496.4(IRF2BPL):c.366G>A (p.Gln122=)

Gene: IRF2BPL (interferon regulatory factor 2 binding protein like; minus strand). Cytogenetic location: 14q24.3.
Variant type: single nucleotide variant.
Coding change: c.366G>A on transcript NM_024496.4 (MANE Select); coding-DNA position 366, G replaced by A.
Protein change: p.Gln122=; no amino-acid change (glutamine 122 retained).
Molecular consequence: synonymous variant.
Genome position (GRCh38, 1-based): chr14:77,027,427, C>T on the plus strand (G>A on the coding strand, the complement: IRF2BPL is on the minus strand). VCF-style: chr14-77027427-C-T. GRCh37 (hg19) VCF-style: chr14-77493770-C-T.
Other names: p.Gln122=.
Identifiers: ClinVar variation 2644412 (VCV002644412.25), dbSNP rs1392014507, ClinGen allele CA487508368.